The following is an entry in ClinVar:

NM_001267550.2(TTN):c.89442dup (p.Cys29815fs)

Genes: TTN (titin; minus strand), TTN-AS1 (TTN antisense RNA 1; plus strand). Cytogenetic location: 2q31.2.
Variant type: Duplication.
Coding change: c.89442dup on transcript NM_001267550.2 (MANE Select); coding-DNA position 89442, one base duplicated (C; older notation c.89442dupC).
Protein change: p.Cys29815fs; shifts the reading frame from cysteine 29815.
Molecular consequence: frameshift variant.
Genome position (GRCh38, 1-based): chr2:178,553,563, G duplicated on the plus strand (C on the coding strand, the reverse complement: TTN is on the minus strand). VCF-style (leftmost placement, unchanged base first): chr2-178553562-A-AG. GRCh37 (hg19) VCF-style: chr2-179418289-A-AG.
Other names: c.84519dup, p.Cys28174fs (NM_001256850.1); c.62247dup, p.Cys20750fs (NM_003319.4); c.81738dup, p.Cys27247fs (NM_133378.4); c.62622dup, p.Cys20875fs (NM_133432.3); c.62823dup, p.Cys20942fs (NM_133437.4); short protein forms C20750fs, C20875fs, C20942fs, C27247fs, C28174fs, C29815fs.
Identifiers: ClinVar variation 3776020 (VCV003776020.1).

ClinVar aggregate classification (germline): Likely pathogenic (1 of 4 stars; one submission).

Conditions:
Dilated cardiomyopathy 1G (CMD1G). Identifiers: Orphanet 154, MedGen C1858763, MONDO:0011400, OMIM 604145.

Submission:

3billion
Classification: Likely pathogenic for Dilated cardiomyopathy 1G. Last evaluated: 2023-08-25. Review status: criteria provided, single submitter. Criteria: ACMG Guidelines, 2015. Collection method: clinical testing. Allele origin: germline. Affected: yes.
Comment: The variant is not observed in the gnomAD v2.1.1 dataset. Predicted Consequence/Location: Frameshift: predicted to result in a loss or disruption of normal protein function through nonsense-mediated decay (NMD) or protein truncation. Multiple pathogenic variants are reported downstream of the variant. Therefore, this variant is classified as Likely pathogenic according to the recommendation of ACMG/AMP guideline.